The following is an entry in ClinVar:

ClinVar aggregate classification (germline): Uncertain significance. Review status: criteria provided, multiple submitters, no conflicts (2 of 4 stars). 2 submissions from 2 submitters: Uncertain significance (2). Last evaluated 2023-02-22.

Conditions:
Inborn genetic diseases. Identifiers: MedGen C0950123, MeSH D030342.
Multiple congenital anomalies-hypotonia-seizures syndrome 3 (MCAHS3). Also called: GLYCOSYLPHOSPHATIDYLINOSITOL BIOSYNTHESIS DEFECT 7. Identifiers: Orphanet 369837, MedGen C3809356, MONDO:0014165, OMIM 615398.

Allele frequency attached by ClinVar (database versions not stated): TOPMed below 0.00001; gnomAD 0.00001; ExAC 0.00002; gnomAD exomes 0.00002; ESP Exome Variant Server 0.00008.
gnomAD v4.1: 35 of 1,613,614 alleles (0.0022%); highest among the groups gnomAD compares: Middle Eastern, 0.016%; no homozygotes.

Submissions (2):

Ambry Genetics
Classification: Uncertain significance for Inborn genetic diseases. Last evaluated: 2023-02-22. Review status: criteria provided, single submitter. Criteria: Ambry Variant Classification Scheme 2023. Collection method: clinical testing. Allele origin: germline.

Labcorp Genetics (formerly Invitae), Labcorp
Classification: Uncertain significance for Multiple congenital anomalies-hypotonia-seizures syndrome 3. Last evaluated: 2022-06-10. Review status: criteria provided, single submitter. Criteria: Invitae Variant Classification Sherloc (09022015). Collection method: clinical testing. Allele origin: germline.
Comment: This sequence change replaces threonine, which is neutral and polar, with methionine, which is neutral and non-polar, at codon 510 of the PIGT protein (p.Thr510Met). This variant is present in population databases (rs140850805, gnomAD 0.006%). This variant has not been reported in the literature in individuals affected with PIGT-related conditions. Algorithms developed to predict the effect of missense changes on protein structure and function are either unavailable or do not agree on the potential impact of this missense change (SIFT: "Deleterious"; PolyPhen-2: "Probably Damaging"; Align-GVGD: "Class C0"). In summary, the available evidence is currently insufficient to determine the role of this variant in disease. Therefore, it has been classified as a Variant of Uncertain Significance.

NM_015937.6(PIGT):c.1529C>T (p.Thr510Met)

Gene: PIGT (phosphatidylinositol glycan anchor biosynthesis class T; plus strand). Cytogenetic location: 20q13.12.
Variant type: single nucleotide variant.
Coding change: c.1529C>T on transcript NM_015937.6 (MANE Select); coding-DNA position 1529, C replaced by T.
Protein change: p.Thr510Met; replaces threonine 510 with methionine.
Molecular consequence: missense variant. On other transcripts: non-coding transcript variant (5).
Genome position (GRCh38, 1-based): chr20:45,425,618, C>T. VCF-style: chr20-45425618-C-T. GRCh37 (hg19) VCF-style: chr20-44054258-C-T.
Other names: c.1328C>T, p.Thr443Met (NM_001184729.3); c.1223C>T, p.Thr408Met (NM_001184730.3); c.1361C>T, p.Thr454Met (NM_001184728.3); c.1529C>T (NM_015937.4); short protein forms T510M, T443M, T408M, T454M.
Identifiers: ClinVar variation 2184544 (VCV002184544.3), dbSNP rs140850805, ClinGen allele CA9878307.